The following is an entry in ClinVar:

NM_001684.5(ATP2B4):c.3310-3T>C

Gene: ATP2B4 (ATPase plasma membrane Ca2+ transporting 4; plus strand). Cytogenetic location: 1q32.1.
Variant type: single nucleotide variant.
Coding change: c.3310-3T>C on transcript NM_001684.5 (MANE Select); 3 bases into the intron before coding-DNA position 3310, T replaced by C.
Molecular consequence: intron variant.
Genome position (GRCh38, 1-based): chr1:203,739,543, T>C. VCF-style: chr1-203739543-T-C. GRCh37 (hg19) VCF-style: chr1-203708671-T-C.
Other names: c.3488-3T>C (NM_001001396.3).
Identifiers: ClinVar variation 4773125 (VCV004773125.1).

ClinVar aggregate classification (germline): Uncertain significance (1 of 4 stars; one submission).

gnomAD v4.1: 142 of 1,612,328 alleles (0.0088%); highest among the groups gnomAD compares: Non-Finnish European, 0.011%; no homozygotes.

Submission:

Labcorp Genetics (formerly Invitae), Labcorp
Classification: Uncertain significance. Last evaluated: 2025-05-18. Review status: criteria provided, single submitter. Criteria: Invitae Variant Classification Sherloc (09022015). Collection method: clinical testing. Allele origin: germline.
Comment: This sequence change falls in intron 21 of the ATP2B4 gene. It does not directly change the encoded amino acid sequence of the ATP2B4 protein. It affects a nucleotide within the consensus splice site. This variant is present in population databases (rs200671751, gnomAD 0.03%). This variant has not been reported in the literature in individuals affected with ATP2B4-related conditions. Variants that disrupt the consensus splice site are a relatively common cause of aberrant splicing (PMID: 17576681, 9536098). Algorithms developed to predict the effect of sequence changes on RNA splicing suggest that this variant is not likely to affect RNA splicing. In summary, the available evidence is currently insufficient to determine the role of this variant in disease. Therefore, it has been classified as a Variant of Uncertain Significance.

Literature cited by the submitters: PubMed 17576681; PubMed 9536098.